The following is an entry in ClinVar:

ClinVar aggregate classification (germline): Pathogenic/Likely pathogenic. Review status: criteria provided, multiple submitters, no conflicts (2 of 4 stars). 3 submissions from 3 submitters: Pathogenic (1); Likely pathogenic (1). 1 of the submissions does not count toward it. Last evaluated 2022-06-15.

Conditions:
Cystic fibrosis (CF). Also called: MUCOVISCIDOSIS. Identifiers: Orphanet 586, MedGen C0010674, MONDO:0009061, OMIM 219700. Disease mechanism: loss of function.

Submissions (3):

Johns Hopkins Genomics, Johns Hopkins University
Classification: Likely pathogenic for Cystic fibrosis. Last evaluated: 2022-06-15. Review status: criteria provided, single submitter. Criteria: ACMG Guidelines, 2015. Collection method: clinical testing. Allele origin: germline.
Comment: CFTR c.1209G>A has been identified in multiple individuals with features of cystic fibrosis and has been reported in ClinVar (Variation ID: 53215). It is absent from a large population dataset. This synonymous variant alters the last nucleotide of CFTR exon 9 (legacy exon 8) and bioinformatic analysis predicts that this variant will cause abnormal CFTR splicing, although this has not been confirmed experimentally to our knowledge. We consider CFTR c.1209G>A to be likely pathogenic.

CFTR-France
Classification: Pathogenic for cystic fibrosis. Last evaluated: 2018-01-29. Review status: criteria provided, single submitter. Criteria: Claustres M et al. (Hum Mutat 2017). Collection method: curation. Allele origin: germline. Affected: yes.

ClinVar Staff, National Center for Biotechnology Information (NCBI)
No classification provided. Condition: CFTR-related disorders. Review status: no classification provided. Collection method: literature only. Allele origin: germline. Affected: yes. Not counted in ClinVar's aggregate classification.

Literature cited by the submitters: PubMed 10447267 (cited by Johns Hopkins Genomics, Johns Hopkins University); PubMed 15772171 (cited by Johns Hopkins Genomics, Johns Hopkins University); PubMed 17331079 (cited by Johns Hopkins Genomics, Johns Hopkins University and ClinVar Staff, National Center for Biotechnology Information (NCBI)).

NM_000492.4(CFTR):c.1209G>A (p.Glu403=)

Gene: CFTR (CF transmembrane conductance regulator; plus strand). Cytogenetic location: 7q31.2.
Variant type: single nucleotide variant.
Coding change: c.1209G>A on transcript NM_000492.4 (MANE Select); coding-DNA position 1209, G replaced by A.
Protein change: p.Glu403=; no amino-acid change (glutamic acid 403 retained).
Molecular consequence: synonymous variant.
Genome position (GRCh38, 1-based): chr7:117,542,108, G>A. VCF-style: chr7-117542108-G-A. GRCh37 (hg19) VCF-style: chr7-117182162-G-A.
Identifiers: ClinVar variation 53215 (VCV000053215.3), dbSNP rs397508177, ClinGen allele CA326433.
Genomic context (GRCh38, chr7:117,542,108, plus strand): 5'-GGAATATAACTTAACGACTACAGAAGTAGTGATGGAGAATGTAACAGCCTTCTGGGAGGA[G>A]GTCAGAATTTTTAAAAAATTGTTTGCTCTAAACACCTAACTGTTTTCTTCTTTGTGAATA-3'
Protein context (NP_000483.3, residues 393-413): VMENVTAFWE[Glu403=]GFGELFEKAK